The following is an entry in ClinVar:

ClinVar aggregate classification (germline): Conflicting classifications of pathogenicity. Review status: criteria provided, conflicting classifications (1 of 4 stars). 11 submissions from 11 submitters: Uncertain significance (8); Likely benign (2). 1 of the submissions does not count toward it. Last evaluated 2026-04-21.

Conditions:
PMS2-related disorder. Also called: PMS2-related condition.
Hereditary nonpolyposis colorectal neoplasms. Identifiers: MedGen C0009405, MeSH D003123.
Hereditary cancer-predisposing syndrome. Also called: Tumor predisposition; Neoplastic Syndromes, Hereditary; Hereditary neoplastic syndrome; Hereditary Cancer Syndrome. Identifiers: Orphanet 140162, MedGen C0027672, MeSH D009386, MONDO:0015356.
Lynch syndrome. Identifiers: Orphanet 144, MedGen C4552100, MONDO:0005835. Disease mechanism: loss of function.
Lynch syndrome 4 (LYNCH4). Also called: Colorectal cancer, hereditary nonpolyposis, type 4; Hereditary non-polyposis colorectal cancer, type 4. Identifiers: Orphanet 144, MedGen C1838333, MONDO:0013699, OMIM 614337. Disease mechanism: loss of function.

Allele frequency attached by ClinVar (database versions not stated): TOPMed 0.00002; gnomAD 0.00010.
gnomAD v4.1: 44 of 1,612,770 alleles (0.0027%); highest among the groups gnomAD compares: East Asian, 0.0022%; no homozygotes.

Submissions (11):

PreventionGenetics, part of Exact Sciences
Classification: Uncertain significance for PMS2-related condition. Last evaluated: 2026-04-21. Review status: criteria provided, single submitter. Criteria: ACMG Guidelines, 2015. Collection method: clinical testing. Allele origin: germline.
Comment: The PMS2 c.823C>G variant is predicted to result in the amino acid substitution p.Gln275Glu. This variant was reported in an individual with colorectal cancer and has been shown to affect splicing (van der Klift et al. 2015. PubMed ID: 26247049). This variant is reported in 0.032% of alleles in individuals of European (Finnish) descent in gnomAD. This variant has conflicting classifications in ClinVar, ranging from uncertain to likely benign (Variation ID: 141523). At this time, the clinical significance of this variant is uncertain due to the absence of conclusive functional and genetic evidence.

Labcorp Genetics (formerly Invitae), Labcorp
Classification: Likely benign for Hereditary nonpolyposis colorectal neoplasms. Last evaluated: 2025-12-21. Review status: criteria provided, single submitter. Criteria: Invitae Variant Classification Sherloc (09022015). Collection method: clinical testing. Allele origin: germline.

Ambry Genetics
Classification: Uncertain significance for Hereditary cancer-predisposing syndrome. Last evaluated: 2025-06-07. Review status: criteria provided, single submitter. Criteria: Ambry Variant Classification Scheme 2023. Collection method: clinical testing. Allele origin: germline.
Comment: The p.Q275E variant (also known as c.823C>G), located in coding exon 8 of the PMS2 gene, results from a C to G substitution at nucleotide position 823. The glutamine at codon 275 is replaced by glutamic acid, an amino acid with highly similar properties. In one study, the effect of the c.823C>G variant on splicing was analyzed using a minigene assay which generated two aberrant transcripts due to the use of a cryptic splice acceptor site that was stronger than the canonical splice site; however, patient RNA was not available for direct analysis (van der Klift HM et al. Mol Genet Genomic Med. 2015 Jul;3:327-45). In silico splice site analysis predicts that this alteration will result in the creation or strengthening of a novel splice acceptor site. RNA studies have demonstrated that this alteration results in an incomplete splice defect; the clinical impact of this abnormal splicing is unknown at this time (Ambry internal data). This nucleotide position is not well conserved in available vertebrate species. This amino acid position is poorly conserved in available vertebrate species. In addition, this alteration is predicted to be tolerated by in silico analysis. Based on the available evidence, the clinical significance of this variant remains unclear.

All of Us Research Program, National Institutes of Health
Classification: Uncertain significance for Lynch syndrome. Last evaluated: 2024-08-23. Review status: criteria provided, single submitter. Criteria: ACMG Guidelines, 2015. Collection method: clinical testing. Allele origin: germline. Inheritance: Autosomal dominant inheritance. Observed: 8 variant alleles, 8 heterozygotes.
Comment: This missense variant replaces glutamine with glutamic acid at codon 275 of the PMS2 protein. Computational prediction suggests that this variant may not impact protein structure and function (internally defined REVEL score threshold <= 0.5, PMID: 27666373). Splice site prediction tools are inconclusive regarding the impact of this variant on RNA splicing. A minigene assay has shown that this variant causes abnormal RNA splicing and creates two aberrant transcripts (PMID: 26247049). However, this observation has not been confirmed using RNA from carriers. This variant has been identified in 23/282824 chromosomes in the general population by the Genome Aggregation Database (gnomAD). The available evidence is insufficient to determine the role of this variant in disease conclusively. Therefore, this variant is classified as a Variant of Uncertain Significance.

This study involves interpretation of variants in research participants for the purpose of population health screening. Participant phenotype was not available at the time of variant classification. Additional details can be found in publication PMID: 35346344, PMCID: PMC8962531

GeneDx
Classification: Uncertain significance. Last evaluated: 2024-07-15. Review status: criteria provided, single submitter. Criteria: GeneDx Variant Classification Process June 2021. Collection method: clinical testing. Allele origin: germline. Affected: yes.
Comment: Observed in a patient with a personal and/or family history suggestive of Lynch syndrome (PMID: 26247049); In silico analysis supports that this missense variant has a deleterious effect on protein structure/function; In silico analysis indicates that this missense variant does not alter protein structure/function; This variant is associated with the following publications: (PMID: 11574484, 26247049)

Color Diagnostics, LLC DBA Color Health
Classification: Uncertain significance for Hereditary cancer-predisposing syndrome. Last evaluated: 2024-04-29. Review status: criteria provided, single submitter. Criteria: ACMG Guidelines, 2015. Collection method: clinical testing. Allele origin: germline.
Comment: This missense variant replaces glutamine with glutamic acid at codon 275 of the PMS2 protein. Computational prediction suggests that this variant may not impact protein structure and function (internally defined REVEL score threshold <= 0.5, PMID: 27666373). Splice site prediction tools suggest that this variant may impact RNA splicing, and a minigene assay has shown that this variant causes abnormal RNA splicing and creates two aberrant transcripts (PMID: 26247049). However, this observation has not been confirmed using RNA from carriers. This variant has not been reported in an individual affected with a PMS2-related disorder in the literature. This variant has been identified in 23/282824 chromosomes in the general population by the Genome Aggregation Database (gnomAD). The available evidence is insufficient to determine the role of this variant in disease conclusively. Therefore, this variant is classified as a Variant of Uncertain Significance.

Baylor Genetics
Classification: Uncertain significance for Lynch syndrome 4. Last evaluated: 2023-10-13. Review status: criteria provided, single submitter. Criteria: ACMG Guidelines, 2015. Collection method: clinical testing. Allele origin: unknown.

Myriad Genetics, Inc.
Classification: Uncertain significance for Lynch syndrome 4. Last evaluated: 2023-04-04. Review status: criteria provided, single submitter. Criteria: Myriad Autosomal Dominant, Autosomal Recessive and X-Linked Classification Criteria (2023). Collection method: clinical testing. Allele origin: unknown.
Comment: This variant is classified as a variant of uncertain significance as there is insufficient evidence to determine its impact on protein function and/or cancer risk.

Blueprint Genetics
Classification: Likely benign. Last evaluated: 2022-06-28. Review status: criteria provided, single submitter. Criteria: ACMG Guidelines, 2015. Collection method: clinical testing. Allele origin: germline.

Women's Health and Genetics/Laboratory Corporation of America, LabCorp
Classification: Uncertain significance. Last evaluated: 2022-05-05. Review status: criteria provided, single submitter. Criteria: LabCorp Variant Classification Summary - May 2015. Collection method: clinical testing. Allele origin: germline.
Comment: Variant summary: PMS2 c.823C>G (p.Gln275Glu) results in a conservative amino acid change located in the DNA mismatch repair protein family, N-terminal domain of the encoded protein sequence. Five of five in-silico tools predict a benign effect of the variant on protein function. Several computational tools predict a significant impact on normal splicing: Two predict the variant creates an alternative 3 prime acceptor site. At least one publication reports experimental evidence that this variant affects mRNA splicing (van der Klift_2015). The variant allele was found at a frequency of 8e-05 in 251410 control chromosomes. The observed variant frequency is slightly higher than the estimated maximal expected allele frequency for a pathogenic variant in PMS2 causing Hereditary Nonpolyposis Colorectal Cancer phenotype (7.1e-05), suggesting that the variant is benign. To our knowledge, no occurrence of c.823C>G in individuals affected with Hereditary Nonpolyposis Colorectal Cancer has been reported. Five clinical diagnostic laboratories have submitted clinical-significance assessments for this variant to ClinVar after 2014 without evidence for independent evaluation (likely benign n=1, VUS n=4). Based on the evidence outlined above, the variant was classified as uncertain significance.

Counsyl
Classification: Uncertain significance for Lynch syndrome 4. Last evaluated: 2015-12-08. Review status: no assertion criteria provided. Collection method: clinical testing. Allele origin: unknown. Not counted in ClinVar's aggregate classification.

Literature cited by the submitters: PubMed 26247049 (cited by 5 submitters).

NM_000535.7(PMS2):c.823C>G (p.Gln275Glu)

Gene: PMS2 (PMS1 homolog 2, mismatch repair system component; minus strand). Cytogenetic location: 7p22.1.
Variant type: single nucleotide variant.
Coding change: c.823C>G on transcript NM_000535.7 (MANE Select); coding-DNA position 823, C replaced by G.
Protein change: p.Gln275Glu; replaces glutamine 275 with glutamic acid.
Molecular consequence: missense variant. On other transcripts: 5 prime UTR variant (2), non-coding transcript variant (1).
Genome position (GRCh38, 1-based): chr7:5,995,614, G>C on the plus strand (C>G on the coding strand, the complement: PMS2 is on the minus strand). VCF-style: chr7-5995614-G-C. GRCh37 (hg19) VCF-style: chr7-6035245-G-C.
Other names: c.418C>G, p.Gln140Glu (NM_001322003.2, NM_001322004.2, NM_001322005.2 and 2 more transcripts); c.823C>G, p.Gln275Glu (NM_001322006.2, NM_001322014.2); c.505C>G, p.Gln169Glu (NM_001322007.2, NM_001322008.2); c.-111C>G (NM_001322011.2, NM_001322012.2); c.250C>G, p.Gln84Glu (NM_001322013.2); c.514C>G, p.Gln172Glu (NM_001322015.2); short protein forms Q275E, Q84E, Q140E, Q172E, Q169E.
Identifiers: ClinVar variation 141523 (VCV000141523.37), dbSNP rs587780062, ClinGen allele CA012928.
Genomic context (GRCh38, chr7:5,995,614, plus strand): 5'-GCCGGTTGATAAAGAAAAACTGTCTGTCTGTTGAACTCCTTCCAACTCCATGCGTGCATT[G>C]TGAAATGAAACCTGAGATGCTATTCAACATTAATATGGTAAGGGCAGGATTCCAGAGTGA-3'
Protein context (NP_000526.2, residues 265-285): NLFYISGFIS[Gln275Glu]CTHGVGRSST